The following is an entry in ClinVar:

ClinVar aggregate classification (germline): Benign (1 of 4 stars; one submission).

Submission:

GeneDx
Classification: Benign. Last evaluated: 2018-06-19. Review status: criteria provided, single submitter. Criteria: GeneDx Variant Classification (06012015). Collection method: clinical testing. Allele origin: germline. Affected: yes.
Comment: This variant is considered likely benign or benign based on one or more of the following criteria: it is a conservative change, it occurs at a poorly conserved position in the protein, it is predicted to be benign by multiple in silico algorithms, and/or has population frequency not consistent with disease.

NM_001267550.2(TTN):c.65863+39del

Genes: TTN-AS1 (TTN antisense RNA 1; plus strand), TTN (titin; minus strand). Cytogenetic location: 2q31.2.
Variant type: Deletion.
Coding change: c.65863+39del on transcript NM_001267550.2 (MANE Select); 39 bases into the intron after coding-DNA position 65863, one base deleted (T; older notation c.65863+39delT).
Molecular consequence: intron variant.
Genome position (GRCh38, 1-based): chr2:178,582,901, A deleted on the plus strand (T on the coding strand, the reverse complement: TTN is on the minus strand); the first of 3 consecutive A bases (chr2:178,582,901-178,582,903); deleting any one gives the same sequence. VCF-style (leftmost placement, unchanged base first): chr2-178582900-CA-C. GRCh37 (hg19) VCF-style: chr2-179447627-CA-C.
Other names: c.38668+39del (NM_003319.4); c.39244+39del (NM_133437.4); c.39043+39del (NM_133432.3); c.58159+39del (NM_133378.4); c.60940+39del (NM_001256850.1); c.60940+39delT (NM_001256850.1).
Identifiers: ClinVar variation 674070 (VCV000674070.1), dbSNP rs143554070, ClinGen allele CA1991636.